The following is an entry in ClinVar:

ClinVar aggregate classification (germline): Uncertain significance. Review status: criteria provided, multiple submitters, no conflicts (2 of 4 stars). 3 submissions from 3 submitters: Uncertain significance (2). 1 of the submissions does not count toward it. Last evaluated 2024-03-25.

Conditions:
Hereditary nonpolyposis colorectal neoplasms. Identifiers: MedGen C0009405, MeSH D003123.
Hereditary cancer-predisposing syndrome. Also called: Hereditary neoplastic syndrome; Hereditary Cancer Syndrome; Tumor predisposition; Neoplastic Syndromes, Hereditary. Identifiers: Orphanet 140162, MedGen C0027672, MeSH D009386, MONDO:0015356.
Carcinoma of colon (CRC). Also called: Colon carcinoma; Colonic carcinoma. Identifiers: MedGen C0699790, MONDO:0002032.

Submissions (3):

Labcorp Genetics (formerly Invitae), Labcorp
Classification: Uncertain significance for Hereditary nonpolyposis colorectal neoplasms. Last evaluated: 2024-03-25. Review status: criteria provided, single submitter. Criteria: Invitae Variant Classification Sherloc (09022015). Collection method: clinical testing. Allele origin: germline.
Comment: This sequence change replaces leucine, which is neutral and non-polar, with proline, which is neutral and non-polar, at codon 979 of the MSH6 protein (p.Leu979Pro). This variant is not present in population databases (gnomAD no frequency). This variant has not been reported in the literature in individuals affected with MSH6-related conditions. ClinVar contains an entry for this variant (Variation ID: 433917). Advanced modeling of protein sequence and biophysical properties (such as structural, functional, and spatial information, amino acid conservation, physicochemical variation, residue mobility, and thermodynamic stability) performed at Invitae indicates that this missense variant is expected to disrupt MSH6 protein function with a positive predictive value of 95%. In summary, the available evidence is currently insufficient to determine the role of this variant in disease. Therefore, it has been classified as a Variant of Uncertain Significance.

Ambry Genetics
Classification: Uncertain significance for Hereditary cancer-predisposing syndrome. Last evaluated: 2021-03-16. Review status: criteria provided, single submitter. Criteria: Ambry Variant Classification Scheme 2023. Collection method: clinical testing. Allele origin: germline.
Comment: The p.L979P variant (also known as c.2936T>C), located in coding exon 4 of the MSH6 gene, results from a T to C substitution at nucleotide position 2936. The leucine at codon 979 is replaced by proline, an amino acid with similar properties. This amino acid position is highly conserved through mammals but not in all available vertebrate species. In addition, this alteration is predicted to be deleterious by in silico analysis. Since supporting evidence is limited at this time, the clinical significance of this alteration remains unclear.

Department of Pathology and Laboratory Medicine, Sinai Health System
Classification: Uncertain significance for Carcinoma of colon. Review status: no assertion criteria provided. Collection method: clinical testing. Allele origin: unknown. Affected: yes. Study: The Canadian Open Genetics Repository (COGR). Not counted in ClinVar's aggregate classification.
Comment: The p.Leu979Pro variant was not identified in the literature. The p.Leu979 residue is conserved across mammals and lower organisms but not in yeast, and computational analyses (PolyPhen, SIFT, AlignGVGD, BLOSUM) suggest that the p.Leu979Pro variant may impact the protein. The variant also occurs within a recognized protein domain (the DNA mismatch repair protein MutS, core and clamp). However, this information is not predictive enough to assume the variant is pathogenic. In summary, based on the above information, the clinical significance of this variant cannot be determined with certainty at this time. This variant is classified as a variant of unknown significance.

NM_000179.3(MSH6):c.2936T>C (p.Leu979Pro)

Gene: MSH6 (mutS homolog 6; plus strand). Cytogenetic location: 2p16.3.
Variant type: single nucleotide variant.
Coding change: c.2936T>C on transcript NM_000179.3 (MANE Select); coding-DNA position 2936, T replaced by C.
Protein change: p.Leu979Pro; replaces leucine 979 with proline.
Molecular consequence: missense variant.
Genome position (GRCh38, 1-based): chr2:47,800,919, T>C. VCF-style: chr2-47800919-T-C. GRCh37 (hg19) VCF-style: chr2-48028058-T-C.
Other names: c.2546T>C, p.Leu849Pro (NM_001281492.2); c.2030T>C, p.Leu677Pro (NM_001281493.2, NM_001281494.2); short protein forms L979P, L849P, L677P.
Identifiers: ClinVar variation 433917 (VCV000433917.6), dbSNP rs1218426245, ClinGen allele CA346756212.